The following is an entry in ClinVar:

ClinVar aggregate classification (germline): Pathogenic (1 of 4 stars; one submission).

Conditions:
Congenital myasthenic syndrome 9. Also called: Myasthenic syndrome, congenital, 9, associated with acetylcholine receptor deficiency. Identifiers: Orphanet 590, MedGen C4225368, MONDO:0014587, OMIM 616325.
Fetal akinesia deformation sequence 1 (FADS1). Also called: Fetal akinesia sequence; Pena-Shokeir syndrome type I. Identifiers: Orphanet 994, MedGen C1276035, MONDO:0100101, OMIM 208150, HP:0001989.

Submission:

Labcorp Genetics (formerly Invitae), Labcorp
Classification: Pathogenic for Congenital myasthenic syndrome 9; Fetal akinesia deformation sequence 1. Last evaluated: 2025-03-31. Review status: criteria provided, single submitter. Criteria: Invitae Variant Classification Sherloc (09022015). Collection method: clinical testing. Allele origin: germline.
Comment: This sequence change creates a premature translational stop signal (p.Ser302Glnfs*7) in the MUSK gene. It is expected to result in an absent or disrupted protein product. Loss-of-function variants in MUSK are known to be pathogenic (PMID: 8653786, 25612909, 25695962, 25900532). This variant is not present in population databases (gnomAD no frequency). This variant has not been reported in the literature in individuals affected with MUSK-related conditions. For these reasons, this variant has been classified as Pathogenic.

Literature cited by the submitters: PubMed 8653786; PubMed 25612909; PubMed 25695962; PubMed 25900532.

NM_005592.4(MUSK):c.903dup (p.Ser302fs)

Gene: MUSK (muscle associated receptor tyrosine kinase; plus strand). Cytogenetic location: 9q31.3.
Variant type: Duplication.
Coding change: c.903dup on transcript NM_005592.4 (MANE Select); coding-DNA position 903, one base duplicated (C; older notation c.903dupC).
Protein change: p.Ser302fs; shifts the reading frame from serine 302.
Molecular consequence: frameshift variant. On other transcripts: 5 prime UTR variant (1).
Genome position (GRCh38, 1-based): chr9:110,747,790, C duplicated. VCF-style (leftmost placement, unchanged base first): chr9-110747789-T-TC. GRCh37 (hg19) VCF-style: chr9-113510069-T-TC.
Other names: c.933dup, p.Ser312fs (NM_001166280.2); c.903dup, p.Ser302fs (NM_001166281.2); c.-334dup (NM_001369398.1); short protein forms S302fs, S312fs.
Identifiers: ClinVar variation 3759866 (VCV003759866.2).